The following is an entry in ClinVar:

ClinVar aggregate classification (germline): Uncertain significance (1 of 4 stars; one submission).

Conditions:
Renal cell carcinoma. Identifiers: Orphanet 217071, MedGen C0007134, MeSH D002292, MONDO:0005086, HP:0005584.

Submission:

Labcorp Genetics (formerly Invitae), Labcorp
Classification: Uncertain significance for Renal cell carcinoma. Last evaluated: 2025-03-05. Review status: criteria provided, single submitter. Criteria: Invitae Variant Classification Sherloc (09022015). Collection method: clinical testing. Allele origin: germline.
Comment: This sequence change replaces threonine, which is neutral and polar, with serine, which is neutral and polar, at codon 1275 of the MET protein (p.Thr1275Ser). This variant is not present in population databases (gnomAD no frequency). This variant has not been reported in the literature in individuals affected with MET-related conditions. Invitae Evidence Modeling of protein sequence and biophysical properties (such as structural, functional, and spatial information, amino acid conservation, physicochemical variation, residue mobility, and thermodynamic stability) indicates that this missense variant is expected to disrupt MET protein function with a positive predictive value of 80%. In summary, the available evidence is currently insufficient to determine the role of this variant in disease. Therefore, it has been classified as a Variant of Uncertain Significance.

NM_000245.4(MET):c.3769A>T (p.Thr1257Ser)

Gene: MET (MET proto-oncogene, receptor tyrosine kinase; plus strand). Cytogenetic location: 7q31.2.
Variant type: single nucleotide variant.
Coding change: c.3769A>T on transcript NM_000245.4 (MANE Select); coding-DNA position 3769, A replaced by T.
Protein change: p.Thr1257Ser; replaces threonine 1257 with serine.
Molecular consequence: missense variant.
Genome position (GRCh38, 1-based): chr7:116,783,440, A>T. VCF-style: chr7-116783440-A-T. GRCh37 (hg19) VCF-style: chr7-116423494-A-T.
Other names: c.3823A>T, p.Thr1275Ser (NM_001127500.3); c.2479A>T, p.Thr827Ser (NM_001324402.2); short protein forms T827S, T1257S, T1275S.
Identifiers: ClinVar variation 4730855 (VCV004730855.1).